The following is an entry in ClinVar:

ClinVar aggregate classification (germline): Uncertain significance (1 of 4 stars; one submission).

Conditions:
MEGF10-related myopathy (CMYO10A). Also called: Congenital myopathy 10A, severe variant. Identifiers: Orphanet 439212, MedGen C3280679, MONDO:0013731, OMIM 614399.

Allele frequency attached by ClinVar (database versions not stated): gnomAD exomes below 0.00001 and 0.00001; ExAC 0.00001; TOPMed 0.00001; ESP Exome Variant Server 0.00008.

Submission:

Labcorp Genetics (formerly Invitae), Labcorp
Classification: Uncertain significance for MEGF10-related myopathy. Last evaluated: 2022-02-04. Review status: criteria provided, single submitter. Criteria: Invitae Variant Classification Sherloc (09022015). Collection method: clinical testing. Allele origin: germline.
Comment: In summary, the available evidence is currently insufficient to determine the role of this variant in disease. Therefore, it has been classified as a Variant of Uncertain Significance. Algorithms developed to predict the effect of missense changes on protein structure and function are either unavailable or do not agree on the potential impact of this missense change (SIFT: "Deleterious"; PolyPhen-2: "Probably Damaging"; Align-GVGD: "Class C0"). ClinVar contains an entry for this variant (Variation ID: 539966). This variant has not been reported in the literature in individuals affected with MEGF10-related conditions. This variant is present in population databases (rs368073107, gnomAD 0.002%). This sequence change replaces arginine, which is basic and polar, with serine, which is neutral and polar, at codon 89 of the MEGF10 protein (p.Arg89Ser).

NM_001256545.2(MEGF10):c.267G>T (p.Arg89Ser)

Gene: MEGF10 (multiple EGF like domains 10; plus strand). Cytogenetic location: 5q23.2.
Variant type: single nucleotide variant.
Coding change: c.267G>T on transcript NM_001256545.2 (MANE Select); coding-DNA position 267, G replaced by T.
Protein change: p.Arg89Ser; replaces arginine 89 with serine.
Molecular consequence: missense variant.
Genome position (GRCh38, 1-based): chr5:127,340,578, G>T. VCF-style: chr5-127340578-G-T. GRCh37 (hg19) VCF-style: chr5-126676270-G-T.
Other names: c.267G>T, p.Arg89Ser (NM_001308119.2, NM_001308121.2, NM_032446.3); short protein forms R89S.
Identifiers: ClinVar variation 539966 (VCV000539966.8), dbSNP rs368073107, ClinGen allele CA3391220.